The following is an entry in ClinVar:

ClinVar aggregate classification (germline): Likely pathogenic (1 of 4 stars; one submission).

Conditions:
HYPERHOMOCYSTEINEMIA, THROMBOTIC, CBS-RELATED. Identifiers: MedGen C3150344, OMIM 236200.

Submission:

Labcorp Genetics (formerly Invitae), Labcorp
Classification: Likely pathogenic for HYPERHOMOCYSTEINEMIA, THROMBOTIC, CBS-RELATED. Last evaluated: 2020-07-23. Review status: criteria provided, single submitter. Criteria: Invitae Variant Classification Sherloc (09022015). Collection method: clinical testing. Allele origin: germline.
Comment: This variant is a gross deletion of the genomic region encompassing exons 6-17 of the CBS gene. The 5' boundary is likely confined to intron 5. The 3' end of this event is unknown as it extends through the termination codon beyond the assayed region for this gene and may encompass additional genes. While this deletion is not anticipated to result in nonsense mediated decay, it is expected to create a truncated protein product or disrupt mRNA translation. This variant has not been reported in the literature in individuals with CBS-related conditions. This variant disrupts the p.VAl168 amino acid residue in CBS. Other variant(s) that disrupt this residue have been determined to be pathogenic (PMID: 8528202, 22267502, 10531322, 20066033). This suggests that this residue is clinically significant, and that variants that disrupt this residue are likely to be disease-causing. In summary, the currently available evidence indicates that the variant is pathogenic, but additional data are needed to prove that conclusively. Therefore, this variant has been classified as Likely Pathogenic.

Literature cited by the submitters: PubMed 8528202; PubMed 22267502; PubMed 10531322; PubMed 20066033.

NC_000021.8:g.(?_44473450)_(44485825_?)del

Gene: CBS (cystathionine beta-synthase; minus strand). Cytogenetic location: 21q22.3.
Variant type: Deletion.
Identifiers: ClinVar variation 1067289 (VCV001067289.46).